The following is an entry in ClinVar:

ClinVar aggregate classification (germline): Conflicting classifications of pathogenicity. Review status: criteria provided, conflicting classifications (1 of 4 stars). 2 submissions from 2 submitters: Likely pathogenic (1); Uncertain significance (1). Last evaluated 2024-02-14.

Conditions:
Early-infantile DEE. Also called: Early infantile epileptic encephalopathy; Ohtahara syndrome; Early infantile epileptic encephalopathy with suppression bursts. Identifiers: Orphanet 1934, MedGen C0393706, MONDO:0800491.

Submissions (2):

GeneDx
Classification: Likely pathogenic. Last evaluated: 2024-02-14. Review status: criteria provided, single submitter. Criteria: GeneDx Variant Classification Process June 2021. Collection method: clinical testing. Allele origin: germline. Affected: yes.
Comment: Not observed at significant frequency in large population cohorts (gnomAD); In silico analysis supports that this missense variant has a deleterious effect on protein structure/function; This substitution is predicted to be within the extracellular loop between the S3 and S4 transmembrane segments of the first homologous domain.; Has not been previously published as pathogenic or benign to our knowledge

Labcorp Genetics (formerly Invitae), Labcorp
Classification: Uncertain significance for Early-infantile DEE. Last evaluated: 2022-09-03. Review status: criteria provided, single submitter. Criteria: Invitae Variant Classification Sherloc (09022015). Collection method: clinical testing. Allele origin: germline.
Comment: In summary, the available evidence is currently insufficient to determine the role of this variant in disease. Therefore, it has been classified as a Variant of Uncertain Significance. Algorithms developed to predict the effect of sequence changes on RNA splicing suggest that this variant may create or strengthen a splice site. Algorithms developed to predict the effect of missense changes on protein structure and function are either unavailable or do not agree on the potential impact of this missense change (SIFT: "Tolerated"; PolyPhen-2: "Probably Damaging"; Align-GVGD: "Class C0"). ClinVar contains an entry for this variant (Variation ID: 431844). This variant has not been reported in the literature in individuals affected with SCN1A-related conditions. This variant is not present in population databases (gnomAD no frequency). This sequence change replaces asparagine, which is neutral and polar, with serine, which is neutral and polar, at codon 211 of the SCN1A protein (p.Asn211Ser).

NM_001165963.4(SCN1A):c.632A>G (p.Asn211Ser)

Gene: SCN1A (sodium voltage-gated channel alpha subunit 1; minus strand). Cytogenetic location: 2q24.3.
Variant type: single nucleotide variant.
Coding change: c.632A>G on transcript NM_001165963.4 (MANE Select); coding-DNA position 632, A replaced by G.
Protein change: p.Asn211Ser; replaces asparagine 211 with serine.
Molecular consequence: missense variant. On other transcripts: 5 prime UTR variant (1), non-coding transcript variant (1).
Genome position (GRCh38, 1-based): chr2:166,052,914, T>C on the plus strand (A>G on the coding strand, the complement: SCN1A is on the minus strand). VCF-style: chr2-166052914-T-C. GRCh37 (hg19) VCF-style: chr2-166909424-T-C.
Other names: c.632A>G, p.Asn211Ser (NM_001165964.3, NM_001202435.3, NM_001353948.2 and 10 more transcripts); c.-1794A>G (NM_001353961.2); short protein forms N211S.
Identifiers: ClinVar variation 431844 (VCV000431844.11), dbSNP rs1553550618, ClinGen allele CA349074293.